The following is an entry in ClinVar:

NM_183075.3(CYP2U1):c.718C>T (p.Arg240Cys)

Gene: CYP2U1 (cytochrome P450 family 2 subfamily U member 1; plus strand). Cytogenetic location: 4q25.
Variant type: single nucleotide variant.
Coding change: c.718C>T on transcript NM_183075.3 (MANE Select); coding-DNA position 718, C replaced by T.
Protein change: p.Arg240Cys; replaces arginine 240 with cysteine.
Molecular consequence: missense variant.
Genome position (GRCh38, 1-based): chr4:107,945,197, C>T. VCF-style: chr4-107945197-C-T. GRCh37 (hg19) VCF-style: chr4-108866353-C-T.
Other names: short protein forms R240C.
Identifiers: ClinVar variation 2037360 (VCV002037360.5), dbSNP rs761764079, ClinGen allele CA3037048.

ClinVar aggregate classification (germline): Uncertain significance. Review status: criteria provided, multiple submitters, no conflicts (2 of 4 stars). 2 submissions from 2 submitters: Uncertain significance (2). Last evaluated 2022-10-26.

Conditions:
Inborn genetic diseases. Identifiers: MedGen C0950123, MeSH D030342.
Spastic paraplegia. Identifiers: MedGen C0037772, HP:0001258.

Allele frequency attached by ClinVar (database versions not stated): gnomAD 0.00003; TOPMed 0.00002; ExAC 0.00009; gnomAD exomes 0.00003.
gnomAD v4.1: 54 of 1,613,936 alleles (0.0033%); highest among the groups gnomAD compares: South Asian, 0.0077%; no homozygotes.

Submissions (2):

Ambry Genetics
Classification: Uncertain significance for Inborn genetic diseases. Last evaluated: 2022-10-26. Review status: criteria provided, single submitter. Criteria: Ambry Variant Classification Scheme 2023. Collection method: clinical testing. Allele origin: germline.

Labcorp Genetics (formerly Invitae), Labcorp
Classification: Uncertain significance for Spastic paraplegia. Last evaluated: 2022-06-14. Review status: criteria provided, single submitter. Criteria: Invitae Variant Classification Sherloc (09022015). Collection method: clinical testing. Allele origin: germline.
Comment: This sequence change replaces arginine, which is basic and polar, with cysteine, which is neutral and slightly polar, at codon 240 of the CYP2U1 protein (p.Arg240Cys). In summary, the available evidence is currently insufficient to determine the role of this variant in disease. Therefore, it has been classified as a Variant of Uncertain Significance. Algorithms developed to predict the effect of sequence changes on RNA splicing suggest that this variant may disrupt the consensus splice site. Advanced modeling of protein sequence and biophysical properties (such as structural, functional, and spatial information, amino acid conservation, physicochemical variation, residue mobility, and thermodynamic stability) performed at Invitae indicates that this missense variant is expected to disrupt CYP2U1 protein function. This variant has not been reported in the literature in individuals affected with CYP2U1-related conditions. This variant is present in population databases (rs761764079, gnomAD 0.01%).